The following is an entry in ClinVar:

NM_001367916.1(MAGT1):c.7G>A (p.Ala3Thr)

Genes: MAGT1 (magnesium transporter 1; minus strand), LOC130068460 (ATAC-STARR-seq lymphoblastoid active region 29781; plus strand). Cytogenetic location: Xq21.1.
Variant type: single nucleotide variant.
Coding change: c.7G>A on transcript NM_001367916.1 (MANE Select); coding-DNA position 7, G replaced by A.
Protein change: p.Ala3Thr; replaces alanine 3 with threonine.
Molecular consequence: missense variant.
Genome position (GRCh38, 1-based): chrX:77,895,404, C>T on the plus strand (G>A on the coding strand, the complement: MAGT1 is on the minus strand). VCF-style: chrX-77895404-C-T. GRCh37 (hg19) VCF-style: chrX-77150901-C-T.
Other names: c.103G>A, p.Ala35Thr (NM_032121.5); short protein forms A35T, A3T.
Identifiers: ClinVar variation 1928007 (VCV001928007.5), dbSNP rs782735241, ClinGen allele CA10458615.

ClinVar aggregate classification (germline): Uncertain significance (1 of 4 stars; one submission).

Conditions:
X-linked immunodeficiency with magnesium defect, Epstein-Barr virus infection and neoplasia. Identifiers: Orphanet 317476, MedGen C3275445, MONDO:0010455, OMIM 300853.

Allele frequency attached by ClinVar (database versions not stated): TOPMed below 0.00001; gnomAD 0.00001; ExAC 0.00003; 1000 Genomes Project 30x 0.00042; 1000 Genomes Project 0.00053.
gnomAD v4.1: 1 of 1,210,321 alleles (0.000083%); highest among the groups gnomAD compares: African/African-American, 0.0017%; no homozygotes.

Submission:

Labcorp Genetics (formerly Invitae), Labcorp
Classification: Uncertain significance for X-linked immunodeficiency with magnesium defect, Epstein-Barr virus infection and neoplasia. Last evaluated: 2022-04-18. Review status: criteria provided, single submitter. Criteria: Invitae Variant Classification Sherloc (09022015). Collection method: clinical testing. Allele origin: germline.
Comment: This variant has not been reported in the literature in individuals affected with MAGT1-related conditions. Algorithms developed to predict the effect of missense changes on protein structure and function (SIFT, PolyPhen-2, Align-GVGD) all suggest that this variant is likely to be tolerated. In summary, the available evidence is currently insufficient to determine the role of this variant in disease. Therefore, it has been classified as a Variant of Uncertain Significance. This variant is present in population databases (rs782735241, gnomAD 0.02%). This sequence change replaces alanine, which is neutral and non-polar, with threonine, which is neutral and polar, at codon 35 of the MAGT1 protein (p.Ala35Thr).